The following is an entry in ClinVar:

ClinVar aggregate classification (germline): Uncertain significance (1 of 4 stars; one submission).

Submission:

Women's Health and Genetics/Laboratory Corporation of America, LabCorp
Classification: Uncertain significance. Last evaluated: 2023-08-21. Review status: criteria provided, single submitter. Criteria: LabCorp Variant Classification Summary - May 2015. Collection method: clinical testing. Allele origin: germline.
Comment: Variant summary: ATM c.3746+5G>C alters a nucleotide located close to a canonical splice site and therefore could affect mRNA splicing, leading to a significantly altered protein sequence. Several computational tools predict a significant impact on normal splicing: Three predict the variant weakens a canonical 5' splicing donor site. However, these predictions have yet to be confirmed by functional studies. The variant was absent in 231850 control chromosomes (gnomAD). The available data on variant occurrences in the general population are insufficient to allow any conclusion about variant significance. To our knowledge, no occurrence of c.3746+5G>C in individuals affected with Breast Cancer and no experimental evidence demonstrating its impact on protein function have been reported. Three submitters have cited clinical-significance assessments for this variant to ClinVar after 2014. All submitters classified the variant as uncertain significance. Based on the evidence outlined above, the variant was classified as uncertain significance.

NM_000051.4(ATM):c.3746+5G>C

Gene: ATM (ATM serine/threonine kinase; plus strand). Cytogenetic location: 11q22.3.
Variant type: single nucleotide variant.
Coding change: c.3746+5G>C on transcript NM_000051.4 (MANE Select); 5 bases into the intron after coding-DNA position 3746, G replaced by C.
Molecular consequence: intron variant.
Genome position (GRCh38, 1-based): chr11:108,282,884, G>C. VCF-style: chr11-108282884-G-C. GRCh37 (hg19) VCF-style: chr11-108153611-G-C.
Other names: c.3746+5G>C (NM_001351834.2).
Identifiers: ClinVar variation 2581269 (VCV002581269.1), dbSNP rs876658419, ClinGen allele CA2582342474.